The following is an entry in ClinVar:

ClinVar aggregate classification (germline): Pathogenic. Review status: criteria provided, multiple submitters, no conflicts (2 of 4 stars). 3 submissions from 3 submitters: Pathogenic (3). Last evaluated 2026-07-23.

Conditions:
Werner syndrome (WRN). Identifiers: Orphanet 902, MedGen C0043119, MONDO:0010196, OMIM 277700.

Allele frequency attached by ClinVar (database versions not stated): TOPMed below 0.00001; gnomAD exomes 0.00001; ExAC 0.00002.
gnomAD v4.1: 13 of 1,613,724 alleles (0.00081%); highest among the groups gnomAD compares: South Asian, 0.0022%; no homozygotes.

Submissions (3):

Institute of Human Genetics, University of Leipzig Medical Center
Classification: Pathogenic for Werner syndrome. Last evaluated: 2026-07-23. Review status: criteria provided, single submitter. Criteria: ACMG Guidelines, 2015. Collection method: clinical testing. Allele origin: unknown. Inheritance: Autosomal recessive inheritance. Affected: yes.
Comment: Criteria applied: PVS1,PM2

Labcorp Genetics (formerly Invitae), Labcorp
Classification: Pathogenic for Werner syndrome. Last evaluated: 2025-09-02. Review status: criteria provided, single submitter. Criteria: Invitae Variant Classification Sherloc (09022015). Collection method: clinical testing. Allele origin: germline.
Comment: This sequence change creates a premature translational stop signal (p.Arg741*) in the WRN gene. It is expected to result in an absent or disrupted protein product. Loss-of-function variants in WRN are known to be pathogenic (PMID: 16673358). This variant is present in population databases (rs763089663, gnomAD 0.002%). This premature translational stop signal has been observed in individual(s) with Werner syndrome (PMID: 20443122). ClinVar contains an entry for this variant (Variation ID: 528094). For these reasons, this variant has been classified as Pathogenic.

Baylor Genetics
Classification: Pathogenic for Werner syndrome. Last evaluated: 2024-03-16. Review status: criteria provided, single submitter. Criteria: ACMG Guidelines, 2015. Collection method: clinical testing. Allele origin: unknown.

Literature cited by the submitters: PubMed 16673358 (cited by Labcorp Genetics (formerly Invitae), Labcorp); PubMed 20443122 (cited by Labcorp Genetics (formerly Invitae), Labcorp).

NM_000553.6(WRN):c.2221C>T (p.Arg741Ter)

Gene: WRN (WRN RecQ like helicase; plus strand). Cytogenetic location: 8p12.
Variant type: single nucleotide variant.
Coding change: c.2221C>T on transcript NM_000553.6 (MANE Select); coding-DNA position 2221, C replaced by T.
Protein change: p.Arg741Ter; replaces arginine 741 with a stop codon.
Molecular consequence: nonsense.
Genome position (GRCh38, 1-based): chr8:31,111,747, C>T. VCF-style: chr8-31111747-C-T. GRCh37 (hg19) VCF-style: chr8-30969263-C-T.
Other names: short protein forms R741*.
Identifiers: ClinVar variation 528094 (VCV000528094.21), dbSNP rs763089663, ClinGen allele CA4704672.